The following is an entry in ClinVar:

NM_015585.4(CFAP61):c.2980C>G (p.His994Asp)

Gene: CFAP61 (cilia and flagella associated protein 61; plus strand). Cytogenetic location: 20p11.23.
Variant type: single nucleotide variant.
Coding change: c.2980C>G on transcript NM_015585.4 (MANE Select); coding-DNA position 2980, C replaced by G.
Protein change: p.His994Asp; replaces histidine 994 with aspartic acid.
Molecular consequence: missense variant.
Genome position (GRCh38, 1-based): chr20:20,288,792, C>G. VCF-style: chr20-20288792-C-G. GRCh37 (hg19) VCF-style: chr20-20269436-C-G.
Other names: short protein forms H994D.
Identifiers: ClinVar variation 4001587 (VCV004001587.3).

ClinVar aggregate classification (germline): Uncertain significance. Review status: criteria provided, multiple submitters, no conflicts (2 of 4 stars). 2 submissions from 2 submitters: Uncertain significance (2). Last evaluated 2025-04-30.

Conditions:
Spermatogenic failure 84 (SPGF84). Identifiers: MedGen C5830562, MONDO:0957301, OMIM 620409.

gnomAD v4.1: 14 of 1,614,094 alleles (0.00087%); highest among the groups gnomAD compares: East Asian, 0.031%; no homozygotes.

Submissions (2):

Ambry Genetics
Classification: Uncertain significance. Last evaluated: 2025-04-30. Review status: criteria provided, single submitter. Criteria: Ambry Variant Classification Scheme 2023. Collection method: clinical testing. Allele origin: germline.

Juno Genomics, Hangzhou Juno Genomics, Inc
Classification: Uncertain significance for Spermatogenic failure 84. Review status: criteria provided, single submitter. Criteria: ACMG Guidelines, 2015. Collection method: clinical testing. Allele origin: germline.
Comment: Absent from controls (or at extremely low frequency if recessive) in Genome Aggregation Database.;Multiple lines of computational evidence support a deleterious effect on the gene or gene product.